The following is an entry in ClinVar:

NM_031892.3(SH3KBP1):c.1763C>T (p.Pro588Leu)

Gene: SH3KBP1 (SH3 domain containing kinase binding protein 1; minus strand). Cytogenetic location: Xp22.12.
Variant type: single nucleotide variant.
Coding change: c.1763C>T on transcript NM_031892.3 (MANE Select); coding-DNA position 1763, C replaced by T.
Protein change: p.Pro588Leu; replaces proline 588 with leucine.
Molecular consequence: missense variant.
Genome position (GRCh38, 1-based): chrX:19,542,054, G>A on the plus strand (C>T on the coding strand, the complement: SH3KBP1 is on the minus strand). VCF-style: chrX-19542054-G-A. GRCh37 (hg19) VCF-style: chrX-19560172-G-A.
Other names: c.1652C>T, p.Pro551Leu (NM_001024666.3); c.1049C>T, p.Pro350Leu (NM_001184960.2); c.1634C>T, p.Pro545Leu (NM_001353890.2); c.1838C>T, p.Pro613Leu (NM_001353891.2); c.1709C>T, p.Pro570Leu (NM_001353892.2); c.1661C>T, p.Pro554Leu (NM_001353893.2); c.1532C>T, p.Pro511Leu (NM_001353894.2); c.1589C>T, p.Pro530Leu (NM_001353895.2); and 5 more; short protein forms P486L, P511L, P350L, P545L, P551L, P570L, P307L, P554L.
Identifiers: ClinVar variation 2974887 (VCV002974887.4), dbSNP rs201884637, ClinGen allele CA10364452.

ClinVar aggregate classification (germline): Uncertain significance. Review status: criteria provided, multiple submitters, no conflicts (2 of 4 stars). 2 submissions from 2 submitters: Uncertain significance (2). Last evaluated 2025-06-03.

Allele frequency attached by ClinVar (database versions not stated): TOPMed below 0.00001; ExAC 0.00003; 1000 Genomes Project 0.00026; gnomAD exomes 0.00006; gnomAD 0.00005; 1000 Genomes Project 30x 0.00042.
gnomAD v4.1: 75 of 1,210,379 alleles (0.0062%); highest among the groups gnomAD compares: East Asian, 0.17%; no homozygotes.

Submissions (2):

Labcorp Genetics (formerly Invitae), Labcorp
Classification: Uncertain significance. Last evaluated: 2025-06-03. Review status: criteria provided, single submitter. Criteria: Invitae Variant Classification Sherloc (09022015). Collection method: clinical testing. Allele origin: germline.
Comment: This sequence change replaces proline, which is neutral and non-polar, with leucine, which is neutral and non-polar, at codon 588 of the SH3KBP1 protein (p.Pro588Leu). This variant is present in population databases (rs201884637, gnomAD 0.01%). This variant has not been reported in the literature in individuals affected with SH3KBP1-related conditions. ClinVar contains an entry for this variant (Variation ID: 2974887). Invitae Evidence Modeling of protein sequence and biophysical properties (such as structural, functional, and spatial information, amino acid conservation, physicochemical variation, residue mobility, and thermodynamic stability) indicates that this missense variant is not expected to disrupt SH3KBP1 protein function with a negative predictive value of 80%. In summary, the available evidence is currently insufficient to determine the role of this variant in disease. Therefore, it has been classified as a Variant of Uncertain Significance.

Ambry Genetics
Classification: Uncertain significance. Last evaluated: 2023-12-20. Review status: criteria provided, single submitter. Criteria: Ambry Variant Classification Scheme 2023. Collection method: clinical testing. Allele origin: germline.